The following is an entry in ClinVar:

NM_000141.5(FGFR2):c.245A>G (p.Asn82Ser)

Gene: FGFR2 (fibroblast growth factor receptor 2; minus strand). Cytogenetic location: 10q26.13.
Variant type: single nucleotide variant.
Coding change: c.245A>G on transcript NM_000141.5 (MANE Select); coding-DNA position 245, A replaced by G.
Protein change: p.Asn82Ser; replaces asparagine 82 with serine.
Molecular consequence: missense variant. On other transcripts: intron variant (9).
Genome position (GRCh38, 1-based): chr10:121,565,569, T>C on the plus strand (A>G on the coding strand, the complement: FGFR2 is on the minus strand). VCF-style: chr10-121565569-T-C. GRCh37 (hg19) VCF-style: chr10-123325083-T-C.
Other names: c.245A>G, p.Asn82Ser (NM_001144913.1, NM_001144914.1, NM_001144917.2 and 3 more transcripts); c.110-14110A>G (NM_001144918.2, NM_001441091.1, NM_001441090.1 and 1 more transcripts); c.110-990A>G (NM_001441089.1, NM_023029.3, NM_001441088.1 and 2 more transcripts); short protein forms N82S.
Identifiers: ClinVar variation 4749216 (VCV004749216.1).

ClinVar aggregate classification (germline): Uncertain significance (1 of 4 stars; one submission).

Conditions:
FGFR2-related craniosynostosis. Identifiers: MedGen CN231480.

gnomAD v4.1: 2 of 1,614,220 alleles (0.00012%); highest among the groups gnomAD compares: Non-Finnish European, 0.000085%; no homozygotes.

Submission:

Labcorp Genetics (formerly Invitae), Labcorp
Classification: Uncertain significance for FGFR2-related craniosynostosis. Last evaluated: 2025-09-04. Review status: criteria provided, single submitter. Criteria: Invitae Variant Classification Sherloc (09022015). Collection method: clinical testing. Allele origin: germline.
Comment: This sequence change replaces asparagine, which is neutral and polar, with serine, which is neutral and polar, at codon 82 of the FGFR2 protein (p.Asn82Ser). This variant is present in population databases (no rsID available, gnomAD 0.0009%). This variant has not been reported in the literature in individuals affected with FGFR2-related conditions. Invitae Evidence Modeling of protein sequence and biophysical properties (such as structural, functional, and spatial information, amino acid conservation, physicochemical variation, residue mobility, and thermodynamic stability) indicates that this missense variant is not expected to disrupt FGFR2 protein function with a negative predictive value of 80%. In summary, the available evidence is currently insufficient to determine the role of this variant in disease. Therefore, it has been classified as a Variant of Uncertain Significance.